The following is an entry in ClinVar:

NM_001372076.1(PAX9):c.*429T>C

Gene: PAX9 (paired box 9; plus strand). Cytogenetic location: 14q13.3.
Variant type: single nucleotide variant.
Coding change: c.*429T>C on transcript NM_001372076.1 (MANE Select); 429 bases downstream of the stop codon, T replaced by C.
Molecular consequence: 3 prime UTR variant.
Genome position (GRCh38, 1-based): chr14:36,676,881, T>C. VCF-style: chr14-36676881-T-C. GRCh37 (hg19) VCF-style: chr14-37146086-T-C.
Other names: c.*429T>C (NM_006194.4).
Identifiers: ClinVar variation 313179 (VCV000313179.6), dbSNP rs17766200, ClinGen allele CA10644150.

ClinVar aggregate classification (germline): Benign. Review status: criteria provided, multiple submitters, no conflicts (2 of 4 stars). 2 submissions from 2 submitters: Benign (2). Last evaluated 2018-01-13.

Conditions:
Tooth agenesis, selective, 3 (STHAG3). Also called: HYPODONTIA/OLIGODONTIA 3. Identifiers: Orphanet 99798, MedGen C1970291, MONDO:0011477, OMIM 604625. Disease mechanism: loss of function.

Allele frequency attached by ClinVar (database versions not stated): 1000 Genomes Project 0.03734; 1000 Genomes Project 30x 0.03982; TOPMed 0.05879; gnomAD 0.07133.
gnomAD v4.1: 15,178 of 217,660 alleles (7%); highest among the groups gnomAD compares: Non-Finnish European, 9.9%; 696 homozygotes.

Submissions (2):

Illumina Laboratory Services, Illumina
Classification: Benign for Tooth agenesis, selective, 3. Last evaluated: 2018-01-13. Review status: criteria provided, single submitter. Criteria: ICSL Variant Classification Criteria 13 December 2019. Collection method: clinical testing. Allele origin: germline.
Comment: This variant was observed in the ICSL laboratory as part of a predisposition screen in an ostensibly healthy population. It had not been previously curated by ICSL or reported in the Human Gene Mutation Database (HGMD: prior to June 1st, 2018), and was therefore a candidate for classification through an automated scoring system. Utilizing variant allele frequency, disease prevalence and penetrance estimates, and inheritance mode, an automated score was calculated to assess if this variant is too frequent to cause the disease. Based on the score and internal cut-off values, a variant classified as benign is not then subjected to further curation. The score for this variant resulted in a classification of benign for this disease.

Breakthrough Genomics
Classification: Benign. Review status: criteria provided, single submitter. Criteria: ACMG Guidelines, 2015. Collection method: not provided. Allele origin: germline. Inheritance: Autosomal dominant inheritance. Affected: yes.